The following is an entry in ClinVar:

NM_183050.4(BCKDHB):c.*1798C>T

Gene: BCKDHB (branched chain keto acid dehydrogenase E1 subunit beta; plus strand). Cytogenetic location: 6q14.1.
Variant type: single nucleotide variant.
Coding change: c.*1798C>T on transcript NM_183050.4 (MANE Select); 1798 bases downstream of the stop codon, C replaced by T.
Molecular consequence: 3 prime UTR variant. On other transcripts: non-coding transcript variant (1), intron variant (1).
Genome position (GRCh38, 1-based): chr6:80,345,602, C>T. VCF-style: chr6-80345602-C-T. GRCh37 (hg19) VCF-style: chr6-81055319-C-T.
Other names: c.*1798C>T (NM_001318975.1); c.*9-373C>T (NM_000056.5).
Identifiers: ClinVar variation 358207 (VCV000358207.5), dbSNP rs535334878, ClinGen allele CA10624847.

ClinVar aggregate classification (germline): Likely benign (1 of 4 stars; one submission).

Conditions:
Maple syrup urine disease (MSUD). Identifiers: Orphanet 511, MedGen C0024776, MeSH D008375, MONDO:0009563. Disease mechanism: loss of function.

Allele frequency attached by ClinVar (database versions not stated): 1000 Genomes Project 30x 0.00219; 1000 Genomes Project 0.00220; TOPMed 0.00232; gnomAD 0.00233 and 0.00251.

Submission:

Illumina Laboratory Services, Illumina
Classification: Likely benign for Maple syrup urine disease type 1A. Last evaluated: 2018-01-13. Review status: criteria provided, single submitter. Criteria: ICSL Variant Classification Criteria 13 December 2019. Collection method: clinical testing. Allele origin: germline.
Comment: This variant was observed in the ICSL laboratory as part of a predisposition screen in an ostensibly healthy population. It had not been previously curated by ICSL or reported in the Human Gene Mutation Database (HGMD: prior to June 1st, 2018), and was therefore a candidate for classification through an automated scoring system. Utilizing variant allele frequency, disease prevalence and penetrance estimates, and inheritance mode, an automated score was calculated to assess if this variant is too frequent to cause the disease. Based on the score and internal cut-off values, a variant classified as likely benign is not then subjected to further curation. The score for this variant resulted in a classification of likely benign for this disease.